The following is an entry in ClinVar:

ClinVar aggregate classification (germline): Uncertain significance (1 of 4 stars; one submission).

Submission:

Labcorp Genetics (formerly Invitae), Labcorp
Classification: Uncertain significance. Last evaluated: 2022-12-07. Review status: criteria provided, single submitter. Criteria: Invitae Variant Classification Sherloc (09022015). Collection method: clinical testing. Allele origin: germline.
Comment: In summary, the available evidence is currently insufficient to determine the role of this variant in disease. Therefore, it has been classified as a Variant of Uncertain Significance. This variant has not been reported in the literature in individuals affected with EPHB4-related conditions. Information on the frequency of this variant in the gnomAD database is not available, as this variant may be reported differently in the database. This sequence change falls in intron 1 of the EPHB4 gene. It does not directly change the encoded amino acid sequence of the EPHB4 protein.

NM_004444.5(EPHB4):c.52+14_52+15delinsGC

Genes: EPHB4 (EPH receptor B4; minus strand), SLC12A9 (solute carrier family 12 member 9; plus strand). Cytogenetic location: 7q22.1.
Variant type: Indel.
Coding change: c.52+14_52+15delinsGC on transcript NM_004444.5 (MANE Select); bases 14 to 15 of the intron after coding-DNA position 52, CG replaced by GC.
Molecular consequence: intron variant. On other transcripts: 5 prime UTR variant (1).
Genome position (GRCh38, 1-based): chr7:100,826,964-100,826,965, CG replaced by GC on the plus strand (CG replaced by GC on the coding strand, the reverse complement: EPHB4 is on the minus strand). VCF-style: chr7-100826964-CG-GC. GRCh37 (hg19) VCF-style: chr7-100424586-CG-GC.
Other names: c.-65_-64delinsGC (NM_001363494.1).
Identifiers: ClinVar variation 2967479 (VCV002967479.3), dbSNP rs2485062901, ClinGen allele CA2740097448.